The following is an entry in ClinVar:

NM_001371596.2(MFSD8):c.596C>T (p.Thr199Ile)

Gene: MFSD8 (major facilitator superfamily domain containing 8; minus strand). Cytogenetic location: 4q28.2.
Variant type: single nucleotide variant.
Coding change: c.596C>T on transcript NM_001371596.2 (MANE Select); coding-DNA position 596, C replaced by T.
Protein change: p.Thr199Ile; replaces threonine 199 with isoleucine.
Molecular consequence: missense variant. On other transcripts: intron variant (5).
Genome position (GRCh38, 1-based): chr4:127,939,955, G>A on the plus strand (C>T on the coding strand, the complement: MFSD8 is on the minus strand). VCF-style: chr4-127939955-G-A. GRCh37 (hg19) VCF-style: chr4-128861110-G-A.
Other names: c.461C>T, p.Thr154Ile (NM_001371590.2); c.596C>T, p.Thr199Ile (NM_001371591.2, NM_152778.4); c.602C>T, p.Thr201Ile (NM_001371592.2); c.482C>T, p.Thr161Ile (NM_001371593.2, NM_001410766.1); c.419-1119C>T (NM_001371595.1); c.304+3797C>T (NM_001410765.1); c.439+3797C>T (NM_001363521.3); c.553+2090C>T (NM_001363520.3); and 1 more; short protein forms T161I, T154I, T201I, T199I.
Identifiers: ClinVar variation 1481255 (VCV001481255.4), dbSNP rs1175598258, ClinGen allele CA358175517.
Genomic context (GRCh38, chr4:127,939,955, plus strand): 5'-AAGGCGCTAAGTAAAACTGGTGTTGTATACATGTTTATCTGCAGTTTAATCACATCCCAT[G>A]TCACACCTTTTTCTCCAAGGAATGTAAAACAAGTCTGAAAAACTTATTAAGATAAAATTT-3'
Protein context (NP_001358525.1, residues 189-209): CFTFLGEKGV[Thr199Ile]WDVIKLQINM

ClinVar aggregate classification (germline): Uncertain significance (1 of 4 stars; one submission).

Conditions:
Neuronal ceroid lipofuscinosis 7 (CLN7). Also called: MFSD8-Related Neuronal Ceroid-Lipofuscinosis. Identifiers: Orphanet 168491, Orphanet 228366, MedGen C1838571, MONDO:0012588, OMIM 610951.

Allele frequency attached by ClinVar (database versions not stated): gnomAD exomes below 0.00001; gnomAD 0.00001.
gnomAD v4.1: 6 of 1,613,350 alleles (0.00037%); highest among the groups gnomAD compares: South Asian, 0.0055%; no homozygotes.

Submission:

Labcorp Genetics (formerly Invitae), Labcorp
Classification: Uncertain significance for Neuronal ceroid lipofuscinosis 7. Last evaluated: 2021-08-07. Review status: criteria provided, single submitter. Criteria: Invitae Variant Classification Sherloc (09022015). Collection method: clinical testing. Allele origin: germline.
Comment: This sequence change replaces threonine with isoleucine at codon 199 of the MFSD8 protein (p.Thr199Ile). The threonine residue is moderately conserved and there is a moderate physicochemical difference between threonine and isoleucine. This variant is not present in population databases (ExAC no frequency). This variant has not been reported in the literature in individuals affected with MFSD8-related conditions. Algorithms developed to predict the effect of missense changes on protein structure and function (SIFT, PolyPhen-2, Align-GVGD) all suggest that this variant is likely to be tolerated. In summary, the available evidence is currently insufficient to determine the role of this variant in disease. Therefore, it has been classified as a Variant of Uncertain Significance.